The following is an entry in ClinVar:

NM_000538.4(RFXAP):c.397G>T (p.Gly133Cys)

Genes: RFXAP (regulatory factor X associated protein; plus strand), LOC130009574 (ATAC-STARR-seq lymphoblastoid active region 7589; plus strand). Cytogenetic location: 13q13.3.
Variant type: single nucleotide variant.
Coding change: c.397G>T on transcript NM_000538.4 (MANE Select); coding-DNA position 397, G replaced by T.
Protein change: p.Gly133Cys; replaces glycine 133 with cysteine.
Molecular consequence: missense variant.
Genome position (GRCh38, 1-based): chr13:36,819,754, G>T. VCF-style: chr13-36819754-G-T. GRCh37 (hg19) VCF-style: chr13-37393891-G-T.
Other names: c.397G>T (NM_000538.3); short protein forms G133C.
Identifiers: ClinVar variation 1058054 (VCV001058054.7), dbSNP rs751361768, ClinGen allele CA6950204.
Genomic context (GRCh38, chr13:36,819,754, plus strand): 5'-GACGAGGAGACTCACTCGGGGGGCGAGGGCAGCAGCGGGGGCGCCCGGAGGCGGGGCAGC[G>T]GTGGGGGCAGCATGAGCAAGACCTGCACCTACGAAGGCTGCAGCGAGACCACGAGCCAGG-3'
Protein context (NP_000529.1, residues 123-143): SSGGARRRGS[Gly133Cys]GGSMSKTCTY

ClinVar aggregate classification (germline): Uncertain significance. Review status: criteria provided, multiple submitters, no conflicts (2 of 4 stars). 2 submissions from 2 submitters: Uncertain significance (2). Last evaluated 2025-05-18.

Conditions:
MHC class II deficiency. Also called: BLS, TYPE II; Bare lymphocyte syndrome 2. Identifiers: Orphanet 572, MedGen C5447452, MONDO:0008855.

Allele frequency attached by ClinVar (database versions not stated): gnomAD 0.00001; TOPMed 0.00001; gnomAD exomes 0.00002; ExAC 0.00006.
gnomAD v4.1: 12 of 1,555,430 alleles (0.00077%); highest among the groups gnomAD compares: South Asian, 0.0083%; no homozygotes.

Submissions (2):

Ambry Genetics
Classification: Uncertain significance. Last evaluated: 2025-05-18. Review status: criteria provided, single submitter. Criteria: Ambry Variant Classification Scheme 2023. Collection method: clinical testing. Allele origin: germline.

Labcorp Genetics (formerly Invitae), Labcorp
Classification: Uncertain significance for MHC class II deficiency. Last evaluated: 2021-08-30. Review status: criteria provided, single submitter. Criteria: Invitae Variant Classification Sherloc (09022015). Collection method: clinical testing. Allele origin: germline.
Comment: This sequence change replaces glycine with cysteine at codon 133 of the RFXAP protein (p.Gly133Cys). The glycine residue is moderately conserved and there is a large physicochemical difference between glycine and cysteine. This variant is present in population databases (rs751361768, ExAC 0.01%). This variant has not been reported in the literature in individuals affected with RFXAP-related conditions. Algorithms developed to predict the effect of missense changes on protein structure and function are either unavailable or do not agree on the potential impact of this missense change (SIFT: "Deleterious"; PolyPhen-2: "Probably Damaging"; Align-GVGD: "Class C0"). In summary, the available evidence is currently insufficient to determine the role of this variant in disease. Therefore, it has been classified as a Variant of Uncertain Significance.